The following is an entry in ClinVar:

NM_001283009.2(RTEL1):c.1453G>T (p.Val485Leu)

Genes: RTEL1 (regulator of telomere elongation helicase 1; plus strand), RTEL1-TNFRSF6B (RTEL1-TNFRSF6B readthrough (NMD candidate); plus strand). Cytogenetic location: 20q13.33.
Variant type: single nucleotide variant.
Coding change: c.1453G>T on transcript NM_001283009.2 (MANE Select); coding-DNA position 1453, G replaced by T.
Protein change: p.Val485Leu; replaces valine 485 with leucine.
Molecular consequence: missense variant. On other transcripts: non-coding transcript variant (1).
Genome position (GRCh38, 1-based): chr20:63,687,742, G>T. VCF-style: chr20-63687742-G-T. GRCh37 (hg19) VCF-style: chr20-62319095-G-T.
Other names: c.784G>T, p.Val262Leu (NM_001283010.1); c.1453G>T, p.Val485Leu (NM_016434.4); c.1525G>T, p.Val509Leu (NM_032957.5); short protein forms V485L, V262L, V509L.
Identifiers: ClinVar variation 3948295 (VCV003948295.1).

ClinVar aggregate classification (germline): Uncertain significance (1 of 4 stars; one submission).

Conditions:
Inborn genetic diseases. Identifiers: MedGen C0950123, MeSH D030342.

Submission:

Ambry Genetics
Classification: Uncertain significance for Inborn genetic diseases. Last evaluated: 2025-04-05. Review status: criteria provided, single submitter. Criteria: Ambry Variant Classification Scheme 2023. Collection method: clinical testing. Allele origin: germline.
Comment: The p.V485L variant (also known as c.1453G>T), located in coding exon 16 of the RTEL1 gene, results from a G to T substitution at nucleotide position 1453. The valine at codon 485 is replaced by leucine, an amino acid with highly similar properties. This amino acid position is conserved. In addition, this alteration is predicted to be tolerated by in silico analysis. Based on the available evidence, the clinical significance of this variant remains unclear.